The following is an entry in ClinVar:

ClinVar aggregate classification (germline): Pathogenic. Review status: criteria provided, multiple submitters, no conflicts (2 of 4 stars). 2 submissions from 2 submitters: Pathogenic (2). Last evaluated 2022-02-02.

Conditions:
Gastrointestinal defects and immunodeficiency syndrome 1 (GIDID1). Also called: Combined immunodeficiency-enteropathy spectrum. Identifiers: Orphanet 436252, MedGen C5968858, MONDO:0800030, OMIM 243150.

Submissions (2):

Victorian Clinical Genetics Services, Murdoch Childrens Research Institute
Classification: Pathogenic for Gastrointestinal defects and immunodeficiency syndrome 1. Last evaluated: 2022-02-02. Review status: criteria provided, single submitter. Criteria: ACMG Guidelines, 2015. Collection method: clinical testing. Allele origin: germline. Inheritance: Autosomal recessive inheritance.
Comment: Based on the classification scheme VCGS_Germline_v1.3.4, this variant is classified as Pathogenic. Following criteria are met: 0102 - Loss of function is a known mechanism of disease in this gene and is associated with gastrointestinal defects and immunodeficiency syndrome (MIM#243150). (I) 0106 - This gene is associated with autosomal recessive disease. (I) 0201 - Variant is predicted to cause nonsense-mediated decay (NMD) and loss of protein (premature termination codon is located at least 54 nucleotides upstream of the final exon-exon junction). (SP) 0251 - This variant is heterozygous. (I) 0301 - Variant is absent from gnomAD (both v2 and v3). (SP) 0701 - Other NMD-predicted variants comparable to the one identified in this case have very strong previous evidence for pathogenicity. There are at least 10 NMD-predicted variants that have been classified as pathogenic and/or reported in affected individuals (ClinVar; PMID: 30553809). (SP) 0803 - This variant has limited previous evidence of pathogenicity in unrelated individuals. This variant has been classified once as pathogenic by a clinical diagnostic laboratory; however limited evidence was provided (ClinVar). (I) 0905 - No published segregation evidence has been identified for this variant. (I) 1007 - No published functional evidence has been identified for this variant. (I) 1201 - Heterozygous variant detected in trans with a second pathogenic heterozygous variant (NM_020458.3 (TTC7A):c.286G>T; p.(Glu96*)) in a recessive disease. (I) Legend: (SP) - Supporting pathogenic, (I) - Information, (SB) - Supporting benign

Eurofins Ntd Llc (ga)
Classification: Pathogenic. Last evaluated: 2015-10-13. Review status: criteria provided, single submitter. Criteria: EGL Classification Definitions. Collection method: clinical testing. Allele origin: germline.

Literature cited by the submitters: PubMed 30553809 (cited by Victorian Clinical Genetics Services, Murdoch Childrens Research Institute); PubMed 26938784 (cited by Victorian Clinical Genetics Services, Murdoch Childrens Research Institute).

NM_020458.4(TTC7A):c.1183dup (p.Gln395fs)

Gene: TTC7A (tetratricopeptide repeat domain 7A; plus strand). Cytogenetic location: 2p21.
Variant type: Duplication.
Coding change: c.1183dup on transcript NM_020458.4 (MANE Select); coding-DNA position 1183, one base duplicated (C; older notation c.1183dupC).
Protein change: p.Gln395fs; shifts the reading frame from glutamine 395.
Molecular consequence: frameshift variant.
Genome position (GRCh38, 1-based): chr2:47,006,039, C duplicated. VCF-style (leftmost placement, unchanged base first): chr2-47006038-A-AC. GRCh37 (hg19) VCF-style: chr2-47233177-A-AC.
Other names: c.1183dup, p.Gln395fs (LRG_1323t1, NM_001288951.2); c.1081dup, p.Gln361fs (NM_001288953.2); c.121dup, p.Gln41fs (NM_001288955.2); short protein forms Q361fs, Q395fs, Q41fs.
Identifiers: ClinVar variation 284148 (VCV000284148.9), dbSNP rs886042806, ClinGen allele CA10604705.